The following is an entry in ClinVar:

NM_007294.4(BRCA1):c.3086A>G (p.Asn1029Ser)

Gene: BRCA1 (BRCA1 DNA repair associated; minus strand). Cytogenetic location: 17q21.31.
Variant type: single nucleotide variant.
Coding change: c.3086A>G on transcript NM_007294.4 (MANE Select); coding-DNA position 3086, A replaced by G.
Protein change: p.Asn1029Ser; replaces asparagine 1029 with serine.
Molecular consequence: missense variant. On other transcripts: intron variant (137).
Genome position (GRCh38, 1-based): chr17:43,092,445, T>C on the plus strand (A>G on the coding strand, the complement: BRCA1 is on the minus strand). VCF-style: chr17-43092445-T-C. GRCh37 (hg19) VCF-style: chr17-41244462-T-C.
Other names: c.3086A>G, p.Asn1029Ser (NM_001407620.1, NM_001407621.1, NM_001407622.1 and 30 more transcripts); c.3083A>G, p.Asn1028Ser (NM_001407627.1, NM_001407628.1, NM_001407629.1 and 22 more transcripts); c.3077A>G, p.Asn1026Ser (NM_001407646.1, NM_001407647.1); c.2963A>G, p.Asn988Ser (NM_001407648.1, NM_001407664.1, NM_001407665.1 and 19 more transcripts); c.2960A>G, p.Asn987Ser (NM_001407649.1, NM_001407670.1, NM_001407671.1 and 11 more transcripts); c.3008A>G, p.Asn1003Ser (NM_001407653.1, NM_001407654.1, NM_001407655.1 and 4 more transcripts); c.3005A>G, p.Asn1002Ser (NM_001407659.1, NM_001407660.1, NM_001407661.1 and 1 more transcripts); c.2945A>G, p.Asn982Ser (NM_001407692.1, NM_001407694.1, NM_001407695.1 and 29 more transcripts); and 41 more; short protein forms N1029S, N982S, N1026S, N958S, N961S, N981S, N987S, N902S.
Identifiers: ClinVar variation 630125 (VCV000630125.20), dbSNP rs753286589, ClinGen allele CA058119.

ClinVar aggregate classification (germline): Conflicting classifications of pathogenicity. Review status: criteria provided, conflicting classifications (1 of 4 stars). 6 submissions from 6 submitters: Uncertain significance (4); Likely benign (1). 1 of the submissions does not count toward it. Last evaluated 2025-05-27.

Conditions:
Hereditary cancer-predisposing syndrome. Also called: Neoplastic Syndromes, Hereditary; Tumor predisposition; Hereditary neoplastic syndrome; Hereditary Cancer Syndrome. Identifiers: Orphanet 140162, MedGen C0027672, MeSH D009386, MONDO:0015356.
Hereditary breast ovarian cancer syndrome. Also called: Hereditary breast and ovarian cancer syndrome; Hereditary breast and ovarian cancer; Hereditary breast and ovarian cancer syndrome (HBOC); Breast and ovarian cancer; Hereditary breast and/or ovarian cancer syndrome; BRCA1- and BRCA2-Associated Hereditary Breast and Ovarian Cancer. Identifiers: Orphanet 145, MedGen C0677776, MeSH D061325, MONDO:0003582. Disease mechanism: loss of function.
Malignant tumor of breast. Also called: Malignant breast neoplasm; Cancer breast. Identifiers: MedGen C0006142, MONDO:0007254. Disease mechanism: loss of function.

Allele frequency attached by ClinVar (database versions not stated): gnomAD exomes below 0.00001 and 0.00001; TOPMed below 0.00001; ExAC 0.00001.
gnomAD v4.1: 1 of 1,613,988 alleles (0.000062%); highest among the groups gnomAD compares: Admixed American, 0.0017%; no homozygotes.

Submissions (6):

Labcorp Genetics (formerly Invitae), Labcorp
Classification: Uncertain significance for Hereditary breast ovarian cancer syndrome. Last evaluated: 2025-05-27. Review status: criteria provided, single submitter. Criteria: Invitae Variant Classification Sherloc (09022015). Collection method: clinical testing. Allele origin: germline.
Comment: This sequence change replaces asparagine, which is neutral and polar, with serine, which is neutral and polar, at codon 1029 of the BRCA1 protein (p.Asn1029Ser). This variant is present in population databases (rs753286589, gnomAD 0.003%). This variant has not been reported in the literature in individuals affected with BRCA1-related conditions. ClinVar contains an entry for this variant (Variation ID: 630125). Invitae Evidence Modeling of protein sequence and biophysical properties (such as structural, functional, and spatial information, amino acid conservation, physicochemical variation, residue mobility, and thermodynamic stability) indicates that this missense variant is not expected to disrupt BRCA1 protein function with a negative predictive value of 80%. In summary, the available evidence is currently insufficient to determine the role of this variant in disease. Therefore, it has been classified as a Variant of Uncertain Significance.

Ambry Genetics
Classification: Uncertain significance for Hereditary cancer-predisposing syndrome. Last evaluated: 2023-12-15. Review status: criteria provided, single submitter. Criteria: Ambry Variant Classification Scheme 2023. Collection method: clinical testing. Allele origin: germline.
Comment: The p.N1029S variant (also known as c.3086A>G), located in coding exon 9 of the BRCA1 gene, results from an A to G substitution at nucleotide position 3086. The asparagine at codon 1029 is replaced by serine, an amino acid with highly similar properties. This amino acid position is not well conserved in available vertebrate species. In addition, this alteration is predicted to be tolerated by in silico analysis. Since supporting evidence is limited at this time, the clinical significance of this alteration remains unclear.

University of Washington Department of Laboratory Medicine, University of Washington
Classification: Likely benign for Hereditary cancer-predisposing syndrome. Last evaluated: 2023-03-23. Review status: criteria provided, single submitter. Criteria: Dines et al. (Genet Med. 2020). Collection method: curation. Allele origin: germline.
Comment: Missense variant in a coldspot region where missense variants are very unlikely to be pathogenic (PMID:31911673).

BRCA1 coldspot (exon 11 using historical exon numbering). Reclassification based on statistical prior probability

Quest Diagnostics Nichols Institute San Juan Capistrano
Classification: Uncertain significance. Last evaluated: 2021-08-30. Review status: criteria provided, single submitter. Criteria: Quest Diagnostics criteria. Collection method: clinical testing. Allele origin: unknown.
Comment: In the published literature, this variant has been reported to be located in a region of the BRCA1 gene that is tolerant to missense sequenced changes (PMID: 31911673 (2020)). The frequency of this variant in the general population, 0.000008 (2/251152 chromosomes (Genome Aggregation Database)), is uninformative in the assessment of its pathogenicity. Analysis of this variant using bioinformatics tools for the prediction of the effect of amino acid changes on protein structure and function yielded conflicting predictions that this variant is benign or damaging. Based on the available information, we are unable to determine the clinical significance of this variant.

Color Diagnostics, LLC DBA Color Health
Classification: Uncertain significance for Hereditary cancer-predisposing syndrome. Last evaluated: 2020-09-30. Review status: criteria provided, single submitter. Criteria: ACMG Guidelines, 2015. Collection method: clinical testing. Allele origin: germline.
Comment: This missense variant replaces asparagine with serine at codon 1029 of the BRCA1 protein. Computational prediction suggests that this variant may not impact protein structure and function (internally defined REVEL score threshold <= 0.5, PMID: 27666373). To our knowledge, functional studies have not been reported for this variant. This variant has not been reported in individuals affected with hereditary cancer in the literature. This variant has been identified in 2/251152 chromosomes in the general population by the Genome Aggregation Database (gnomAD). The available evidence is insufficient to determine the role of this variant in disease conclusively. Therefore, this variant is classified as a Variant of Uncertain Significance.

Department of Pathology and Laboratory Medicine, Sinai Health System
Classification: Uncertain significance for Malignant tumor of breast. Review status: no assertion criteria provided. Collection method: clinical testing. Allele origin: unknown. Affected: yes. Study: The Canadian Open Genetics Repository (COGR). Not counted in ClinVar's aggregate classification.
Comment: The BRCA1 p.Asn1029Ser variant was not identified in the literature nor was it identified in the following databases: ClinVar, GeneInsight-COGR, Cosmic, MutDB, LOVD 3.0, BIC Database, ARUP Laboratories, Zhejiang Colon Cancer Database, databases. The variant was identified in dbSNP (ID: rs753286589) as â€šÃ„ÃºNAâ€šÃ„Ã¹, and UMD-LSDB (1 x, as 3-UV, co-occurring with a BRCA1 variant of uncertain significance c.3185G>T, p.Gly1062Val). The variant was identified in control databases in 2 of 245930 chromosomes at a frequency of 0.000008 (Genome Aggregation Consortium Feb 27, 2017). The p.Asn1029 residue is not conserved in mammals and four out of five computational analyses (PolyPhen-2, SIFT, AlignGVGD, BLOSUM, MutationTaster) do not suggest a high likelihood of impact to the protein; however, this information is not predictive enough to rule out pathogenicity. The variant occurs outside of the splicing consensus sequence and 1 of 5 in silico or computational prediction software programs (SpliceSiteFinder, MaxEntScan, NNSPLICE, GeneSplicer, HumanSpliceFinder) predict a greater than 10% difference in splicing; this is not very predictive of pathogenicity. In summary, based on the above information the clinical significance of this variant cannot be determined with certainty at this time. This variant is classified as a variant of uncertain significance.

Literature cited by the submitters: PubMed 31911673 (cited by Quest Diagnostics Nichols Institute San Juan Capistrano).